The following is an entry in ClinVar:

ClinVar aggregate classification (germline): Pathogenic (1 of 4 stars; one submission).

gnomAD v4.1: 3 of 1,614,196 alleles (0.00019%); highest among the groups gnomAD compares: Non-Finnish European, 0.00025%; no homozygotes.

Submission:

Labcorp Genetics (formerly Invitae), Labcorp
Classification: Pathogenic. Last evaluated: 2023-12-03. Review status: criteria provided, single submitter. Criteria: Invitae Variant Classification Sherloc (09022015). Collection method: clinical testing. Allele origin: germline.
Comment: This sequence change creates a premature translational stop signal (p.Glu143*) in the OCA2 gene. It is expected to result in an absent or disrupted protein product. Loss-of-function variants in OCA2 are known to be pathogenic (PMID: 19865097, 21541274). This variant is not present in population databases (gnomAD no frequency). This variant has not been reported in the literature in individuals affected with OCA2-related conditions. Algorithms developed to predict the effect of sequence changes on RNA splicing suggest that this variant may disrupt the consensus splice site. For these reasons, this variant has been classified as Pathogenic.

Literature cited by the submitters: PubMed 19865097; PubMed 21541274.

NM_000275.3(OCA2):c.427G>T (p.Glu143Ter)

Gene: OCA2 (OCA2 melanosomal transmembrane protein; minus strand). Cytogenetic location: 15q13.1.
Variant type: single nucleotide variant.
Coding change: c.427G>T on transcript NM_000275.3 (MANE Select); coding-DNA position 427, G replaced by T.
Protein change: p.Glu143Ter; replaces glutamic acid 143 with a stop codon.
Molecular consequence: nonsense.
Genome position (GRCh38, 1-based): chr15:28,027,959, C>A on the plus strand (G>T on the coding strand, the complement: OCA2 is on the minus strand). VCF-style: chr15-28027959-C-A. GRCh37 (hg19) VCF-style: chr15-28273105-C-A.
Other names: c.427G>T, p.Glu143Ter (NM_001300984.2); short protein forms E143*.
Identifiers: ClinVar variation 2792317 (VCV002792317.3), dbSNP rs2548495468, ClinGen allele CA391362022.